The following is an entry in ClinVar:

NC_000007.13:g.(?_143013355)_(143018256_?)del

Gene: CLCN1 (chloride voltage-gated channel 1; plus strand). Cytogenetic location: 7q34.
Variant type: Deletion.
Identifiers: ClinVar variation 3245730 (VCV003245730.1).

ClinVar aggregate classification (germline): Pathogenic (1 of 4 stars; one submission).

Conditions:
Congenital myotonia, autosomal recessive form. Also called: BECKER DISEASE; Becker Generalized Myotonia; myotonia congenita, autosomal recessive. Identifiers: Orphanet 614, MedGen C0751360, MONDO:0009715, OMIM 255700.
Congenital myotonia, autosomal dominant form (THD). Also called: THOMSEN DISEASE; Myotonia congenita autosomal dominant. Identifiers: Orphanet 614, MedGen C2936781, MONDO:0008055, OMIM 160800.

Submission:

Labcorp Genetics (formerly Invitae), Labcorp
Classification: Pathogenic for Congenital myotonia, autosomal recessive form; Congenital myotonia, autosomal dominant form. Last evaluated: 2018-05-02. Review status: criteria provided, single submitter. Criteria: Invitae Variant Classification Sherloc (09022015). Collection method: clinical testing. Allele origin: unknown.
Comment: Loss-of-function variants in CLCN1 are known to be pathogenic (PMID: 17932099, 22094069, 23739125). For these reasons, this variant has been classified as Pathogenic. The observation of one or more missense substitutions within the deleted region (p.Gln43Arg, p.Asp89Gly, and p.Asp136Gly) in individuals affected with myotonia congenita suggests that this may be a clinically significant region of the CLCN1 protein (PMID: 24349310, 26502825, Invitae database). This variant has not been reported in the literature in individuals with CLCN1-related disease. This variant is a gross deletion of the genomic region encompassing exons 2-3 and part of exon 1 (c.50_434-202del) of the CLCN1 gene.¬† It is expected to disrupt RNA splicing and likely results in an absent or disrupted protein product.

Literature cited by the submitters: PubMed 17932099; PubMed 22094069; PubMed 23739125; PubMed 24349310; PubMed 26502825.